The following is an entry in ClinVar:

ClinVar aggregate classification (germline): Conflicting classifications of pathogenicity. Review status: criteria provided, conflicting classifications (1 of 4 stars). 4 submissions from 4 submitters: Uncertain significance (3); Likely benign (1). Last evaluated 2026-04-01.

Conditions:
Microcephaly 3, primary, autosomal recessive. Identifiers: Orphanet 2512, MedGen C1858108, MONDO:0011488, OMIM 604804.

Allele frequency attached by ClinVar (database versions not stated): ESP Exome Variant Server 0.00008; gnomAD 0.00013; TOPMed 0.00013; ExAC 0.00037.
gnomAD v4.1: 222 of 1,588,440 alleles (0.014%); highest among the groups gnomAD compares: Middle Eastern, 0.017%; no homozygotes.

Submissions (4):

CeGaT Center for Human Genetics Tuebingen
Classification: Uncertain significance. Last evaluated: 2026-04-01. Review status: criteria provided, single submitter. Criteria: CeGaT Center For Human Genetics Tuebingen Variant Classification Criteria Version 2. Collection method: clinical testing. Allele origin: germline. Affected: yes. Observed: 1 variant allele.
Comment: CDK5RAP2: PM2

Labcorp Genetics (formerly Invitae), Labcorp
Classification: Likely benign. Last evaluated: 2025-12-01. Review status: criteria provided, single submitter. Criteria: Invitae Variant Classification Sherloc (09022015). Collection method: clinical testing. Allele origin: germline.

Institute of Human Genetics, University of Leipzig Medical Center
Classification: Uncertain significance for Microcephaly 3, primary, autosomal recessive. Last evaluated: 2022-03-31. Review status: criteria provided, single submitter. Criteria: ACMG Guidelines, 2015. Collection method: clinical testing. Allele origin: unknown. Inheritance: Autosomal recessive inheritance. Affected: yes.
Comment: Criteria applied: PM2_SUP,PP3

Genetic Services Laboratory, University of Chicago
Classification: Uncertain significance. Last evaluated: 2014-12-12. Review status: criteria provided, single submitter. Criteria: ACMG Guidelines, 2015. Collection method: clinical testing. Allele origin: germline.

NM_018249.6(CDK5RAP2):c.1892C>G (p.Ser631Cys)

Gene: CDK5RAP2 (CDK5 regulatory subunit associated protein 2; minus strand). Cytogenetic location: 9q33.2.
Variant type: single nucleotide variant.
Coding change: c.1892C>G on transcript NM_018249.6 (MANE Select); coding-DNA position 1892, C replaced by G.
Protein change: p.Ser631Cys; replaces serine 631 with cysteine.
Molecular consequence: missense variant. On other transcripts: non-coding transcript variant (5).
Genome position (GRCh38, 1-based): chr9:120,470,187, G>C on the plus strand (C>G on the coding strand, the complement: CDK5RAP2 is on the minus strand). VCF-style: chr9-120470187-G-C. GRCh37 (hg19) VCF-style: chr9-123232465-G-C.
Other names: c.1892C>G, p.Ser631Cys (NM_001011649.3); c.1889C>G, p.Ser630Cys (NM_001272039.2); short protein forms S631C, S630C.
Identifiers: ClinVar variation 210632 (VCV000210632.14), dbSNP rs376225756, ClinGen allele CA209639.